The following is an entry in ClinVar:

NM_001567.4(INPPL1):c.3466C>G (p.Arg1156Gly)

Gene: INPPL1 (inositol polyphosphate phosphatase like 1; plus strand). Cytogenetic location: 11q13.4.
Variant type: single nucleotide variant.
Coding change: c.3466C>G on transcript NM_001567.4 (MANE Select); coding-DNA position 3466, C replaced by G.
Protein change: p.Arg1156Gly; replaces arginine 1156 with glycine.
Molecular consequence: missense variant.
Genome position (GRCh38, 1-based): chr11:72,237,710, C>G. VCF-style: chr11-72237710-C-G. GRCh37 (hg19) VCF-style: chr11-71948754-C-G.
Other names: short protein forms R1156G.
Identifiers: ClinVar variation 1804482 (VCV001804482.4), dbSNP rs201213980, ClinGen allele CA6170645.

ClinVar aggregate classification (germline): Uncertain significance. Review status: criteria provided, multiple submitters, no conflicts (2 of 4 stars). 2 submissions from 2 submitters: Uncertain significance (2). Last evaluated 2025-12-11.

Conditions:
Inborn genetic diseases. Identifiers: MedGen C0950123, MeSH D030342.

Allele frequency attached by ClinVar (database versions not stated): 1000 Genomes Project 30x 0.00016; 1000 Genomes Project 0.00020.
gnomAD v4.1: 64 of 1,611,418 alleles (0.004%); highest among the groups gnomAD compares: Middle Eastern, 0.017%; 1 homozygote.

Submissions (2):

Ambry Genetics
Classification: Uncertain significance for Inborn genetic diseases. Last evaluated: 2025-12-11. Review status: criteria provided, single submitter. Criteria: Ambry Variant Classification Scheme 2023. Collection method: clinical testing. Allele origin: germline.

GeneDx
Classification: Uncertain significance. Last evaluated: 2022-06-13. Review status: criteria provided, single submitter. Criteria: GeneDx Variant Classification Process June 2021. Collection method: clinical testing. Allele origin: germline. Affected: yes.
Comment: In silico analysis supports that this missense variant has a deleterious effect on protein structure/function; Has not been previously published as pathogenic or benign to our knowledge